The following is an entry in ClinVar:

ClinVar aggregate classification (germline): Pathogenic (1 of 4 stars; one submission).

Conditions:
Neutral lipid storage myopathy (NLSDM). Also called: NEUTRAL LIPID STORAGE DISEASE WITHOUT ICHTHYOSIS. Identifiers: Orphanet 98908, MedGen C1853136, MONDO:0012545, OMIM 610717.

Submission:

Labcorp Genetics (formerly Invitae), Labcorp
Classification: Pathogenic for Neutral lipid storage myopathy. Last evaluated: 2025-10-08. Review status: criteria provided, single submitter. Criteria: Invitae Variant Classification Sherloc (09022015). Collection method: clinical testing. Allele origin: germline.
Comment: This sequence change replaces glycine, which is neutral and non-polar, with aspartic acid, which is acidic and polar, at codon 82 of the PNPLA2 protein (p.Gly82Asp). This variant is not present in population databases (gnomAD no frequency). This missense change has been observed in individual(s) with PNPLA2-related conditions (PMID: 30738494, 31525260; internal data). In at least one individual the data is consistent with being in trans (on the opposite chromosome) from a pathogenic variant. ClinVar contains an entry for this variant (Variation ID: 2900685). Invitae Evidence Modeling of protein sequence and biophysical properties (such as structural, functional, and spatial information, amino acid conservation, physicochemical variation, residue mobility, and thermodynamic stability) indicates that this missense variant is expected to disrupt PNPLA2 protein function with a positive predictive value of 80%. Experimental studies have shown that this missense change affects PNPLA2 function (PMID: 31525260). For these reasons, this variant has been classified as Pathogenic.

Literature cited by the submitters: PubMed 30738494; PubMed 31525260.

NM_020376.4(PNPLA2):c.245G>A (p.Gly82Asp)

Gene: PNPLA2 (patatin like domain 2, triacylglycerol lipase; plus strand). Cytogenetic location: 11p15.5.
Variant type: single nucleotide variant.
Coding change: c.245G>A on transcript NM_020376.4 (MANE Select); coding-DNA position 245, G replaced by A.
Protein change: p.Gly82Asp; replaces glycine 82 with aspartic acid.
Molecular consequence: missense variant.
Genome position (GRCh38, 1-based): chr11:821,685, G>A. VCF-style: chr11-821685-G-A. GRCh37 (hg19) VCF-style: chr11-821685-G-A.
Other names: short protein forms G82D.
Identifiers: ClinVar variation 2900685 (VCV002900685.3), dbSNP rs2495553252, ClinGen allele CA378978118.